The following is an entry in ClinVar:

ClinVar aggregate classification (germline): Uncertain significance (1 of 4 stars; one submission).

Allele frequency attached by ClinVar (database versions not stated): gnomAD exomes 0.00001 and 0.00002; ExAC 0.00002; gnomAD 0.00002; TOPMed 0.00002; ESP Exome Variant Server 0.00017.
gnomAD v4.1: 11 of 1,588,450 alleles (0.00069%); highest among the groups gnomAD compares: Admixed American, 0.005%; no homozygotes.

Submission:

Labcorp Genetics (formerly Invitae), Labcorp
Classification: Uncertain significance. Last evaluated: 2022-09-26. Review status: criteria provided, single submitter. Criteria: Invitae Variant Classification Sherloc (09022015). Collection method: clinical testing. Allele origin: germline.
Comment: This sequence change replaces serine, which is neutral and polar, with isoleucine, which is neutral and non-polar, at codon 224 of the PEPD protein (p.Ser224Ile). This variant also falls at the last nucleotide of exon 9, which is part of the consensus splice site for this exon. This variant is present in population databases (rs377738544, gnomAD 0.004%). This variant has not been reported in the literature in individuals affected with PEPD-related conditions. ClinVar contains an entry for this variant (Variation ID: 1465494). Algorithms developed to predict the effect of missense changes on protein structure and function are either unavailable or do not agree on the potential impact of this missense change (SIFT: "Deleterious"; PolyPhen-2: "Probably Damaging"; Align-GVGD: "Class C0"). Variants that disrupt the consensus splice site are a relatively common cause of aberrant splicing (PMID: 17576681, 9536098). Algorithms developed to predict the effect of sequence changes on RNA splicing suggest that this variant may disrupt the consensus splice site. In summary, the available evidence is currently insufficient to determine the role of this variant in disease. Therefore, it has been classified as a Variant of Uncertain Significance.

Literature cited by the submitters: PubMed 17576681; PubMed 9536098.

NM_000285.4(PEPD):c.671G>T (p.Ser224Ile)

Gene: PEPD (peptidase D; minus strand). Cytogenetic location: 19q13.11.
Variant type: single nucleotide variant.
Coding change: c.671G>T on transcript NM_000285.4 (MANE Select); coding-DNA position 671, G replaced by T.
Protein change: p.Ser224Ile; replaces serine 224 with isoleucine.
Molecular consequence: missense variant. On other transcripts: intron variant (1).
Genome position (GRCh38, 1-based): chr19:33,462,995, C>A on the plus strand (G>T on the coding strand, the complement: PEPD is on the minus strand). VCF-style: chr19-33462995-C-A. GRCh37 (hg19) VCF-style: chr19-33953901-C-A.
Other names: c.479G>T, p.Ser160Ile (NM_001166057.2); c.548+15051G>T (NM_001166056.2); short protein forms S224I, S160I.
Identifiers: ClinVar variation 1465494 (VCV001465494.5), dbSNP rs377738544, ClinGen allele CA9364207.